The following is an entry in ClinVar:

NM_004937.3(CTNS):c.*300C>G

Gene: CTNS (cystinosin, lysosomal cystine transporter; plus strand). Cytogenetic location: 17p13.2.
Variant type: single nucleotide variant.
Coding change: c.*300C>G on transcript NM_004937.3 (MANE Select); 300 bases downstream of the stop codon, C replaced by G.
Molecular consequence: 3 prime UTR variant. On other transcripts: missense variant (2).
Genome position (GRCh38, 1-based): chr17:3,660,669, C>G. VCF-style: chr17-3660669-C-G. GRCh37 (hg19) VCF-style: chr17-3563963-C-G.
Other names: c.1138C>G, p.Pro380Ala (NM_001031681.3, NM_001374492.1); c.*300C>G (NM_001374493.1, NM_001374494.1, NM_001374495.1 and 1 more transcripts); short protein forms P380A.
Identifiers: ClinVar variation 257152 (VCV000257152.18), dbSNP rs2873624, ClinGen allele CA8292080.

ClinVar aggregate classification (germline): Benign. Review status: criteria provided, multiple submitters, no conflicts (2 of 4 stars). 10 submissions from 8 submitters: Benign (9). 1 of the submissions does not count toward it. Last evaluated 2024-11-28.

Conditions:
Nephropathic cystinosis (CTNS). Also called: Abderhalden Lignac Kaufmann disease; Abderhalden-Kaufmann-Lignac syndrome; CYSTINOSIN, DEFECT OF; LYSOSOMAL CYSTINE TRANSPORT PROTEIN, DEFECT OF. Identifiers: Orphanet 213, Orphanet 411629, MedGen C2931187, MONDO:0100151, OMIM 219800.
Ocular cystinosis. Also called: Non-Nephropathic (Ocular) Cystinosis; Non-Nephropathic Cystinosis. Identifiers: Orphanet 213, Orphanet 411641, MedGen C2931013, MONDO:0009064, OMIM 219750.

Allele frequency attached by ClinVar (database versions not stated): ExAC 0.25142; gnomAD exomes 0.25434 and 0.25952; ESP Exome Variant Server 0.19045; gnomAD 0.19455 and 0.20171; TOPMed 0.20231; 1000 Genomes Project 30x 0.21783; 1000 Genomes Project 0.22863.

Submissions (10):

Blueprint Genetics
Classification: Benign. Last evaluated: 2024-11-28. Review status: criteria provided, single submitter. Criteria: ACMG Guidelines, 2015. Collection method: clinical testing. Allele origin: germline.

Genome-Nilou Lab
Classification: Benign for Nephropathic cystinosis. Last evaluated: 2021-07-10. Review status: criteria provided, single submitter. Criteria: ACMG Guidelines, 2015. Collection method: clinical testing. Allele origin: germline. Affected: no.

Genome-Nilou Lab
Classification: Benign for Ocular cystinosis. Last evaluated: 2021-07-10. Review status: criteria provided, single submitter. Criteria: ACMG Guidelines, 2015. Collection method: clinical testing. Allele origin: germline. Affected: no.

GeneDx
Classification: Benign. Last evaluated: 2018-06-28. Review status: criteria provided, single submitter. Criteria: GeneDx Variant Classification Process June 2021. Collection method: clinical testing. Allele origin: germline. Affected: yes.

Illumina Laboratory Services, Illumina
Classification: Benign for Ocular cystinosis. Last evaluated: 2018-01-12. Review status: criteria provided, single submitter. Criteria: ICSL Variant Classification Criteria 13 December 2019. Collection method: clinical testing. Allele origin: germline.
Comment: This variant was observed in the ICSL laboratory as part of a predisposition screen in an ostensibly healthy population. It had not been previously curated by ICSL or reported in the Human Gene Mutation Database (HGMD: prior to June 1st, 2018), and was therefore a candidate for classification through an automated scoring system. Utilizing variant allele frequency, disease prevalence and penetrance estimates, and inheritance mode, an automated score was calculated to assess if this variant is too frequent to cause the disease. Based on the score and internal cut-off values, a variant classified as benign is not then subjected to further curation. The score for this variant resulted in a classification of benign for this disease.

Illumina Laboratory Services, Illumina
Classification: Benign for Nephropathic cystinosis. Last evaluated: 2018-01-12. Review status: criteria provided, single submitter. Criteria: ICSL Variant Classification Criteria 13 December 2019. Collection method: clinical testing. Allele origin: germline.
Comment: the same text as in the submission from Illumina Laboratory Services, Illumina above.

Laboratory for Molecular Medicine, Mass General Brigham Personalized Medicine
Classification: Benign. Last evaluated: 2016-03-21. Review status: criteria provided, single submitter. Criteria: LMM Criteria. Collection method: clinical testing. Allele origin: germline. Observed: 1 variant allele.
Comment: p.Pro380Ala in exon 13 of CTNS: This variant is not expected to have clinical si gnificance because it has been identified in 49.67% (4271/8598) of East Asian ch romosomes by the Exome Aggregation Consortium (ExAC. org; dbSNP rs2873624).

Breakthrough Genomics
Classification: Benign. Review status: criteria provided, single submitter. Criteria: ACMG Guidelines, 2015. Collection method: not provided. Allele origin: germline. Inheritance: Autosomal recessive inheritance. Affected: yes.

PreventionGenetics, part of Exact Sciences
Classification: Benign. Review status: criteria provided, single submitter. Criteria: ACMG Guidelines, 2015. Collection method: clinical testing. Allele origin: germline.

Mayo Clinic Laboratories, Mayo Clinic
Classification: Benign. Last evaluated: 2017-04-25. Review status: no assertion criteria provided. Collection method: clinical testing. Allele origin: unknown. Not counted in ClinVar's aggregate classification.